The following is an entry in ClinVar:

ClinVar aggregate classification (germline): Uncertain significance (1 of 4 stars; one submission).

Conditions:
OTOF-related disorder. Also called: OTOF-related condition.

gnomAD v4.1: 9 of 1,609,216 alleles (0.00056%); highest among the groups gnomAD compares: East Asian, 0.016%; no homozygotes.

Submission:

PreventionGenetics, part of Exact Sciences
Classification: Uncertain significance for OTOF-related condition. Last evaluated: 2025-05-15. Review status: criteria provided, single submitter. Criteria: ACMG Guidelines, 2015. Collection method: clinical testing. Allele origin: germline.
Comment: The OTOF c.2426C>T variant is predicted to result in the amino acid substitution p.Ala809Val. To our knowledge, this variant has not been reported in the literature. This variant is reported in 0.022% of alleles in individuals of East Asian descent in gnomAD. At this time, the clinical significance of this variant is uncertain due to the absence of conclusive functional and genetic evidence.

NM_194248.3(OTOF):c.2426C>T (p.Ala809Val)

Gene: OTOF (otoferlin; minus strand). Cytogenetic location: 2p23.3.
Variant type: single nucleotide variant.
Coding change: c.2426C>T on transcript NM_194248.3 (MANE Select); coding-DNA position 2426, C replaced by T.
Protein change: p.Ala809Val; replaces alanine 809 with valine.
Molecular consequence: missense variant.
Genome position (GRCh38, 1-based): chr2:26,477,269, G>A on the plus strand (C>T on the coding strand, the complement: OTOF is on the minus strand). VCF-style: chr2-26477269-G-A. GRCh37 (hg19) VCF-style: chr2-26700137-G-A.
Other names: c.2426C>T, p.Ala809Val (NM_001287489.2); c.185C>T, p.Ala62Val (NM_004802.4, NM_194323.3); c.356C>T, p.Ala119Val (NM_194322.3); short protein forms A62V, A809V, A119V.
Identifiers: ClinVar variation 4990322 (VCV004990322.1).